The following is an entry in ClinVar:

ClinVar aggregate classification (germline): Uncertain significance (1 of 4 stars; one submission).

Conditions:
Ataxia-telangiectasia syndrome (AT). Also called: Cerebello-oculocutaneous telangiectasia; Immunodeficiency with ataxia telangiectasia; Ataxia-telangiectasia, complementation group E; Ataxia telangiectasia (A-T); AT, COMPLEMENTATION GROUP C; ATAXIA-TELANGIECTASIA, COMPLEMENTATION GROUP A. Identifiers: Orphanet 100, MedGen C0004135, MONDO:0008840, OMIM 208900.

Submission:

Labcorp Genetics (formerly Invitae), Labcorp
Classification: Uncertain significance for Ataxia-telangiectasia syndrome. Last evaluated: 2023-02-14. Review status: criteria provided, single submitter. Criteria: Invitae Variant Classification Sherloc (09022015). Collection method: clinical testing. Allele origin: germline.
Comment: In summary, the available evidence is currently insufficient to determine the role of this variant in disease. Therefore, it has been classified as a Variant of Uncertain Significance. Experimental studies are conflicting or provide insufficient evidence to determine the effect of this variant on ATM function (PMID: 31050087). Algorithms developed to predict the effect of missense changes on protein structure and function are either unavailable or do not agree on the potential impact of this missense change (SIFT: "Deleterious"; PolyPhen-2: "Benign"; Align-GVGD: "Class C35"). This missense change has been observed in individual(s) with ATM-related conditions (PMID: 31050087). This variant is not present in population databases (gnomAD no frequency). This sequence change replaces lysine, which is basic and polar, with asparagine, which is neutral and polar, at codon 388 of the ATM protein (p.Lys388Asn).

Literature cited by the submitters: PubMed 31050087.

NM_000051.4(ATM):c.1164A>T (p.Lys388Asn)

Gene: ATM (ATM serine/threonine kinase; plus strand). Cytogenetic location: 11q22.3.
Variant type: single nucleotide variant.
Coding change: c.1164A>T on transcript NM_000051.4 (MANE Select); coding-DNA position 1164, A replaced by T.
Protein change: p.Lys388Asn; replaces lysine 388 with asparagine.
Molecular consequence: missense variant.
Genome position (GRCh38, 1-based): chr11:108,249,031, A>T. VCF-style: chr11-108249031-A-T. GRCh37 (hg19) VCF-style: chr11-108119758-A-T.
Other names: c.1164A>T, p.Lys388Asn (NM_001351834.2); short protein forms K388N.
Identifiers: ClinVar variation 2907417 (VCV002907417.3), dbSNP rs2497211099, ClinGen allele CA382532515.
Genomic context (GRCh38, chr11:108,249,031, plus strand): 5'-ATCTTACACTACTACACAAAGAGAATCTAGTGATTACAGTGTCCCTTGCAAAAGGAAGAA[A>T]ATAGAACTAGGCTGGGAAGTAATAAAAGATCACCTTCAGAAGTCACAGAATGATTTTGAT-3'
Protein context (NP_000042.3, residues 378-398): SDYSVPCKRK[Lys388Asn]IELGWEVIKD